The following is an entry in ClinVar:

ClinVar aggregate classification (germline): Uncertain significance (1 of 4 stars; one submission).

Conditions:
Familial thoracic aortic aneurysm and aortic dissection (TAAD). Also called: Thoracic aortic aneurysms and dissections. Identifiers: Orphanet 91387, MedGen C4707243, MONDO:0019625.

gnomAD v4.1: 2 of 1,614,198 alleles (0.00012%); highest among the groups gnomAD compares: Non-Finnish European, 0.00017%; no homozygotes.

Submission:

Ambry Genetics
Classification: Uncertain significance for Familial thoracic aortic aneurysm and aortic dissection. Last evaluated: 2023-01-27. Review status: criteria provided, single submitter. Criteria: Ambry Variant Classification Scheme 2023. Collection method: clinical testing. Allele origin: germline.
Comment: The p.A283G variant (also known as c.848C>G), located in coding exon 2 of the SLC2A10 gene, results from a C to G substitution at nucleotide position 848. The alanine at codon 283 is replaced by glycine, an amino acid with similar properties. This variant co-occurred with a variant in the COL3A1 gene in an individual from a thoracic aortic aneurysm and dissection cohort; however, details were limited (Kathiravel U et al. Mol. Cell. Probes, 2013 Apr;27:103-8). This amino acid position is not well conserved in available vertebrate species. In addition, this alteration is predicted to be tolerated by in silico analysis. Since supporting evidence is limited at this time, the clinical significance of this alteration remains unclear.

Literature cited by the submitters: PubMed 23142374.

NM_030777.4(SLC2A10):c.848C>G (p.Ala283Gly)

Gene: SLC2A10 (solute carrier family 2 member 10; plus strand). Cytogenetic location: 20q13.12.
Variant type: single nucleotide variant.
Coding change: c.848C>G on transcript NM_030777.4 (MANE Select); coding-DNA position 848, C replaced by G.
Protein change: p.Ala283Gly; replaces alanine 283 with glycine.
Molecular consequence: missense variant.
Genome position (GRCh38, 1-based): chr20:46,725,884, C>G. VCF-style: chr20-46725884-C-G. GRCh37 (hg19) VCF-style: chr20-45354523-C-G.
Other names: short protein forms A283G.
Identifiers: ClinVar variation 2450481 (VCV002450481.2), dbSNP rs145994112, ClinGen allele CA409268255.
Genomic context (GRCh38, chr20:46,725,884, plus strand): 5'-TCCATGGGGGATCCTCAGCCGTGCTGGCCTCTGTGGGGCTTGGCGCAGTGAAGGTGGCAG[C>G]TACCCTGACCGCCATGGGGCTGGTGGACCGTGCAGGCCGCAGGGCTCTGTTGCTAGCTGG-3'
Protein context (NP_110404.1, residues 273-293): SVGLGAVKVA[Ala283Gly]TLTAMGLVDR